The following is an entry in ClinVar:

NM_032119.4(ADGRV1):c.5824G>A (p.Glu1942Lys)

Gene: ADGRV1 (adhesion G protein-coupled receptor V1; plus strand). Cytogenetic location: 5q14.3.
Variant type: single nucleotide variant.
Coding change: c.5824G>A on transcript NM_032119.4 (MANE Select); coding-DNA position 5824, G replaced by A.
Protein change: p.Glu1942Lys; replaces glutamic acid 1942 with lysine.
Molecular consequence: missense variant. On other transcripts: non-coding transcript variant (1).
Genome position (GRCh38, 1-based): chr5:90,683,745, G>A. VCF-style: chr5-90683745-G-A. GRCh37 (hg19) VCF-style: chr5-89979562-G-A.
Other names: short protein forms E1942K.
Identifiers: ClinVar variation 1926182 (VCV001926182.5), dbSNP rs780386542, ClinGen allele CA360413461.
Genomic context (GRCh38, chr5:90,683,745, plus strand): 5'-TTTGAGATTGGGCAGACGAGCGCCAATATCACTGTGGAGATATTGCCTGACGAAGACCCA[G>A]AACTGGATAAGGCATTCTCTGTGTCAGTCCTCAGTGTTTCCAGTGGTTCTTTGGGAGCTC-3'
Protein context (NP_115495.3, residues 1932-1952): TVEILPDEDP[Glu1942Lys]LDKAFSVSVL

ClinVar aggregate classification (germline): Uncertain significance (1 of 4 stars; one submission).

gnomAD v4.1: 3 of 1,613,884 alleles (0.00019%); highest among the groups gnomAD compares: Non-Finnish European, 0.00025%; no homozygotes.

Submission:

Labcorp Genetics (formerly Invitae), Labcorp
Classification: Uncertain significance. Last evaluated: 2024-12-25. Review status: criteria provided, single submitter. Criteria: Invitae Variant Classification Sherloc (09022015). Collection method: clinical testing. Allele origin: germline.
Comment: This sequence change replaces glutamic acid, which is acidic and polar, with lysine, which is basic and polar, at codon 1942 of the ADGRV1 protein (p.Glu1942Lys). This variant is not present in population databases (gnomAD no frequency). This variant has not been reported in the literature in individuals affected with ADGRV1-related conditions. ClinVar contains an entry for this variant (Variation ID: 1926182). Invitae Evidence Modeling of protein sequence and biophysical properties (such as structural, functional, and spatial information, amino acid conservation, physicochemical variation, residue mobility, and thermodynamic stability) indicates that this missense variant is not expected to disrupt ADGRV1 protein function with a negative predictive value of 95%. In summary, the available evidence is currently insufficient to determine the role of this variant in disease. Therefore, it has been classified as a Variant of Uncertain Significance.